The following is an entry in ClinVar:

ClinVar aggregate classification (germline): Uncertain significance. Review status: criteria provided, multiple submitters, no conflicts (2 of 4 stars). 2 submissions from 2 submitters: Uncertain significance (2). Last evaluated 2023-06-27.

Conditions:
Hereditary cancer-predisposing syndrome. Also called: Tumor predisposition; Hereditary Cancer Syndrome; Hereditary neoplastic syndrome; Neoplastic Syndromes, Hereditary. Identifiers: Orphanet 140162, MedGen C0027672, MeSH D009386, MONDO:0015356.

Submissions (2):

Ambry Genetics
Classification: Uncertain significance for Hereditary cancer-predisposing syndrome. Last evaluated: 2023-06-27. Review status: criteria provided, single submitter. Criteria: Ambry Variant Classification Scheme 2023. Collection method: clinical testing. Allele origin: germline.
Comment: The c.936_937delCT variant (also known as p.*313Mext*15), located in coding exon 6 of the NTHL1 gene, results from a deletion of two nucleotides at nucleotide positions 936 to 937. This alteration disrupts the stop codon of the NTHL1 gene and is predicted to preserve the native sequence while resulting in the elongation of the protein by 15 amino acids. The exact functional effect of the additional amino acids is unknown. Since supporting evidence is limited at this time, the clinical significance of this alteration remains unclear.

Labcorp Genetics (formerly Invitae), Labcorp
Classification: Uncertain significance. Last evaluated: 2022-05-15. Review status: criteria provided, single submitter. Criteria: Invitae Variant Classification Sherloc (09022015). Collection method: clinical testing. Allele origin: germline.
Comment: Experimental studies and prediction algorithms are not available or were not evaluated, and the functional significance of this variant is currently unknown. In summary, the available evidence is currently insufficient to determine the role of this variant in disease. Therefore, it has been classified as a Variant of Uncertain Significance. This variant has not been reported in the literature in individuals affected with NTHL1-related conditions. This variant is not present in population databases (gnomAD no frequency). This sequence change disrupts the translational stop signal of the NTHL1 mRNA. It is expected to extend the length of the NTHL1 protein by 15 additional amino acid residues.

NM_002528.7(NTHL1):c.912_913del (p.Ter305MetextTer?)

Gene: NTHL1 (nth like DNA glycosylase 1; minus strand). Cytogenetic location: 16p13.3.
Variant type: Microsatellite.
Coding change: c.912_913del on transcript NM_002528.7 (MANE Select); coding-DNA positions 912 to 913, 2 bases deleted (CT; older notation c.912_913delCT).
Protein change: p.Ter305MetextTer?.
Molecular consequence: frameshift variant.
Genome position (GRCh38, 1-based): chr16:2,039,926-2,039,927, AG deleted on the plus strand (CT on the coding strand, the reverse complement: NTHL1 is on the minus strand); deleting any 2 consecutive bases within chr16:2,039,926-2,039,930 gives the same sequence; the c. name uses the placement nearest the transcript's 3' end. VCF-style (leftmost placement, unchanged base first): chr16-2039925-CAG-C. GRCh37 (hg19) VCF-style: chr16-2089926-CAG-C.
Other names: c.741_742del, p.Ter248MetextTer? (NM_001318193.2); c.582_583del, p.Ter195MetextTer? (NM_001318194.2); c.936_937delCT (NM_002528.5).
Identifiers: ClinVar variation 1994747 (VCV001994747.6), dbSNP rs2150937701, ClinGen allele CA2580613363.
Genomic context (GRCh38, chr16:2,039,925, plus strand): 5'-CGTAAAGCCACTTCACAGACGGTGGCCACAGCGGCACCTCGGCCAGAGCCATGCGGCCAT[CAG>C]AGACCCTGGGCGGCCGGGCAGAGGGCTTGGTTGAGGCAGGCGTGGCAGCGAGGGTGCACA-3'